The following is an entry in ClinVar:

ClinVar aggregate classification (germline): Pathogenic (1 of 4 stars; one submission).

Conditions:
Hereditary nonpolyposis colorectal neoplasms. Identifiers: MedGen C0009405, MeSH D003123.

Submission:

Labcorp Genetics (formerly Invitae), Labcorp
Classification: Pathogenic for Hereditary nonpolyposis colorectal neoplasms. Last evaluated: 2022-07-25. Review status: criteria provided, single submitter. Criteria: Invitae Variant Classification Sherloc (09022015). Collection method: clinical testing. Allele origin: germline.
Comment: This sequence change creates a premature translational stop signal (p.Lys334Ilefs*3) in the MSH6 gene. It is expected to result in an absent or disrupted protein product. Loss-of-function variants in MSH6 are known to be pathogenic (PMID: 18269114, 24362816). This variant is not present in population databases (gnomAD no frequency). This variant has not been reported in the literature in individuals affected with MSH6-related conditions. For these reasons, this variant has been classified as Pathogenic.

Literature cited by the submitters: PubMed 18269114; PubMed 24362816.

NM_000179.3(MSH6):c.1001_1004del (p.Lys334fs)

Gene: MSH6 (mutS homolog 6; plus strand). Cytogenetic location: 2p16.3.
Variant type: Deletion.
Coding change: c.1001_1004del on transcript NM_000179.3 (MANE Select); coding-DNA positions 1001 to 1004, 4 bases deleted (AGAA; older notation c.1001_1004delAGAA).
Protein change: p.Lys334fs; shifts the reading frame from lysine 334.
Molecular consequence: frameshift variant.
Genome position (GRCh38, 1-based): chr2:47,798,984-47,798,987, AGAA deleted; deleting any 4 consecutive bases within chr2:47,798,983-47,798,987 gives the same sequence; the c. name uses the placement nearest the transcript's 3' end. VCF-style (leftmost placement, unchanged base first): chr2-47798982-CAAGA-C. GRCh37 (hg19) VCF-style: chr2-48026121-CAAGA-C.
Other names: c.611_614del, p.Lys204fs (NM_001281492.2); c.95_98del, p.Lys32fs (NM_001281493.2, NM_001281494.2); c.1097_1100delAGAA, p.Lys366Ilefs (NM_001406795.1, NM_001406802.1); c.1001_1004delAGAA, p.Lys334Ilefs (NM_001406796.1, NM_001406798.1, NM_001406800.1 and 4 more transcripts); c.704_707delAGAA, p.Lys235Ilefs (NM_001406797.1, NM_001406801.1, NM_001406805.1 and 10 more transcripts); c.476_479delAGAA, p.Lys159Ilefs (NM_001406799.1, NM_001406806.1, NM_001406807.1); c.923_926delAGAA, p.Lys308Ilefs (NM_001406804.1); c.95_98delAGAA, p.Lys32Ilefs (NM_001406811.1, NM_001406812.1, NM_001406814.1 and 4 more transcripts); and 2 more; short protein forms K32fs, K334fs, K204fs.
Identifiers: ClinVar variation 2019537 (VCV002019537.4), dbSNP rs2530583169, ClinGen allele CA2580067285.